The following is an entry in ClinVar:

ClinVar aggregate classification (germline): Conflicting classifications of pathogenicity. Review status: criteria provided, conflicting classifications (1 of 4 stars). 6 submissions from 6 submitters: Uncertain significance (1); Benign (2); Likely benign (3). Last evaluated 2026-01-13.

Conditions:
FG syndrome (FGS). Identifiers: MedGen C0220769, MONDO:0002010.
Familial thoracic aortic aneurysm and aortic dissection (TAAD). Also called: Thoracic aortic aneurysms and dissections. Identifiers: Orphanet 91387, MedGen C4707243, MONDO:0019625.
FG syndrome 1 (OKS). Also called: KELLER SYNDROME; MENTAL RETARDATION, LARGE HEAD, IMPERFORATE ANUS, CONGENITAL HYPOTONIA, AND PARTIAL AGENESIS OF CORPUS CALLOSUM; FG Syndrome Type 1 (FGS1); OPITZ-KAVEGGIA SYNDROME. Identifiers: Orphanet 93932, MedGen C5399762, MONDO:0010590, OMIM 305450.

Submissions (6):

Labcorp Genetics (formerly Invitae), Labcorp
Classification: Likely benign for FG syndrome. Last evaluated: 2026-01-13. Review status: criteria provided, single submitter. Criteria: Invitae Variant Classification Sherloc (09022015). Collection method: clinical testing. Allele origin: germline.

Ambry Genetics
Classification: Likely benign for Familial thoracic aortic aneurysm and aortic dissection. Last evaluated: 2023-06-02. Review status: criteria provided, single submitter. Criteria: Ambry Variant Classification Scheme 2023. Collection method: clinical testing. Allele origin: germline.

GeneDx
Classification: Benign. Last evaluated: 2019-09-20. Review status: criteria provided, single submitter. Criteria: GeneDx Variant Classification Process June 2021. Collection method: clinical testing. Allele origin: germline. Affected: yes.

Genomic Research Center, Shahid Beheshti University of Medical Sciences
Classification: Uncertain significance for FG syndrome. Last evaluated: 2018-08-07. Review status: criteria provided, single submitter. Criteria: ACMG Guidelines, 2015. Collection method: clinical testing. Allele origin: inherited. Affected: yes. Observed: 1 variant allele.

Institute for Genomic Medicine (IGM) Clinical Laboratory, Nationwide Children's Hospital
Classification: Likely benign. Last evaluated: 2017-11-15. Review status: criteria provided, single submitter. Criteria: ACMG Guidelines, 2015. Collection method: clinical testing. Allele origin: germline.
Comment: BS2, BP3.

Eurofins Ntd Llc (ga)
Classification: Benign. Last evaluated: 2014-05-03. Review status: criteria provided, single submitter. Criteria: EGL Classification Definitions. Collection method: clinical testing. Allele origin: germline. Observed: 1 variant allele, 1 hemizygote.

NM_005120.3(MED12):c.6241CAG[7] (p.Gln2086dup)

Gene: MED12 (mediator complex subunit 12; plus strand). Cytogenetic location: Xq13.1.
Variant type: Microsatellite.
Coding change: c.6241CAG[7] on transcript NM_005120.3 (MANE Select); seven copies in a row of the 3-base unit CAG starting at c.6241; the reference has six copies in a row; one copy, 3 bases duplicated.
Protein change: p.Gln2086dup; duplicates glutamine 2086.
Molecular consequence: inframe insertion.
Genome position (GRCh38, 1-based): chrX:71,140,846-71,140,848, CAG duplicated; duplicating any 3 consecutive bases within chrX:71,140,830-71,140,848 gives the same sequence; the position shown is the placement nearest the transcript's 3' end. VCF-style (leftmost placement, unchanged base first): chrX-71140829-G-GGCA. GRCh37 (hg19) VCF-style: chrX-70360679-G-GGCA.
Other names: c.6256_6258dupCAG (NM_005120.2).
Identifiers: ClinVar variation 166876 (VCV000166876.20), dbSNP rs786200971, ClinGen allele CA179882.